The following is an entry in ClinVar:

ClinVar aggregate classification (germline): Conflicting classifications of pathogenicity. Review status: criteria provided, conflicting classifications (1 of 4 stars). 6 submissions from 6 submitters: Uncertain significance (5); Likely benign (1). Last evaluated 2026-09-01.

Conditions:
TTN-related disorder. Also called: TTN-related condition; TTN-related disease; TTN-related disorders.
Dilated cardiomyopathy 1G (CMD1G). Identifiers: Orphanet 154, MedGen C1858763, MONDO:0011400, OMIM 604145.
Autosomal recessive limb-girdle muscular dystrophy type 2J (LGMDR10). Also called: Limb-girdle muscular dystrophy, type 2J; MUSCULAR DYSTROPHY, LIMB-GIRDLE, AUTOSOMAL RECESSIVE 10. Identifiers: Orphanet 140922, MedGen C1837342, MONDO:0012127, OMIM 608807.
Cardiovascular phenotype. Identifiers: MedGen CN230736.

Allele frequency attached by ClinVar (database versions not stated): ExAC 0.00002; gnomAD exomes 0.00006 and 0.00016; TOPMed 0.00006; gnomAD 0.00009; ESP Exome Variant Server 0.00016.
gnomAD v4.1: 240 of 1,611,852 alleles (0.015%); highest among the groups gnomAD compares: Non-Finnish European, 0.019%; no homozygotes.

Submissions (6):

PreventionGenetics, part of Exact Sciences
Classification: Uncertain significance for TTN-related condition. Last evaluated: 2026-09-01. Review status: criteria provided, single submitter. Criteria: ACMG Guidelines, 2015. Collection method: clinical testing. Allele origin: germline.
Comment: The TTN c.97247C>T variant is predicted to result in the amino acid substitution p.Ser32416Leu. To our knowledge, this variant has not been reported in the literature. This variant is reported in 0.012% of alleles in individuals of European (Non-Finnish) descent in gnomAD v2. However, in gnomAD v4 (available only on GRCh38), this variant is reported in 240 alleles across all populations, which may be too frequent to be a primary cause of disease. Although we suspect that this variant may be benign, at this time, the clinical significance of this variant is uncertain due to the absence of conclusive functional and genetic evidence.

Revvity Omics, Revvity
Classification: Uncertain significance. Last evaluated: 2023-01-09. Review status: criteria provided, single submitter. Criteria: ACMG Guidelines, 2015. Collection method: clinical testing. Allele origin: germline.

Women's Health and Genetics/Laboratory Corporation of America, LabCorp
Classification: Uncertain significance. Last evaluated: 2022-02-05. Review status: criteria provided, single submitter. Criteria: LabCorp Variant Classification Summary - May 2015. Collection method: clinical testing. Allele origin: germline.

GeneDx
Classification: Likely benign. Last evaluated: 2020-08-07. Review status: criteria provided, single submitter. Criteria: GeneDx Variant Classification Process June 2021. Collection method: clinical testing. Allele origin: germline. Affected: yes.

Ambry Genetics
Classification: Uncertain significance for Cardiovascular phenotype. Last evaluated: 2019-06-25. Review status: criteria provided, single submitter. Criteria: Ambry Variant Classification Scheme 2023. Collection method: clinical testing. Allele origin: germline.
Comment: The p.S23351L variant (also known as c.70052C>T), located in coding exon 176 of the TTN gene, results from a C to T substitution at nucleotide position 70052. The serine at codon 23351 is replaced by leucine, an amino acid with dissimilar properties. This amino acid position is well conserved in available vertebrate species. In addition, this alteration is predicted to be tolerated by in silico analysis. Since supporting evidence is limited at this time, the clinical significance of this alteration remains unclear.

Labcorp Genetics (formerly Invitae), Labcorp
Classification: Uncertain significance for Dilated cardiomyopathy 1G; Autosomal recessive limb-girdle muscular dystrophy type 2J. Last evaluated: 2017-10-07. Review status: criteria provided, single submitter. Criteria: Invitae Variant Classification Sherloc (09022015). Collection method: clinical testing. Allele origin: germline.

NM_001267550.2(TTN):c.97247C>T (p.Ser32416Leu)

Genes: TTN (titin; minus strand), TTN-AS1 (TTN antisense RNA 1; plus strand). Cytogenetic location: 2q31.2.
Variant type: single nucleotide variant.
Coding change: c.97247C>T on transcript NM_001267550.2 (MANE Select); coding-DNA position 97247, C replaced by T.
Protein change: p.Ser32416Leu; replaces serine 32416 with leucine.
Molecular consequence: missense variant.
Genome position (GRCh38, 1-based): chr2:178,542,509, G>A on the plus strand (C>T on the coding strand, the complement: TTN is on the minus strand). VCF-style: chr2-178542509-G-A. GRCh37 (hg19) VCF-style: chr2-179407236-G-A.
Other names: p.S30775L:TCA>TTA; c.92324C>T, p.Ser30775Leu (NM_001256850.1); c.70052C>T, p.Ser23351Leu (NM_003319.4); c.89543C>T, p.Ser29848Leu (NM_133378.4); c.70427C>T, p.Ser23476Leu (NM_133432.3); c.70628C>T, p.Ser23543Leu (NM_133437.4); short protein forms S30775L, S32416L, S29848L, S23476L, S23543L, S23351L.
Identifiers: ClinVar variation 203026 (VCV000203026.16), dbSNP rs377412567, ClinGen allele CA311016.
Genomic context (GRCh38, chr2:178,542,509, plus strand): 5'-ACATAACCACTCAGTGGAGCACCACCGTCCAATTCAGGTGGTTCCCAGGAAATGGTAATT[G>A]ATGTAGCATCAATTTCATCAATCTTAATAGGTCCTGTTGGTGGACCAGGCTTGTCTATGA-3'
Protein context (NP_001254479.2, residues 32406-32426): PIKIDEIDAT[Ser32416Leu]ITISWEPPEL